The following is an entry in ClinVar:

NM_015215.4(CAMTA1):c.487C>T (p.Arg163Trp)

Gene: CAMTA1 (calmodulin binding transcription activator 1; plus strand). Cytogenetic location: 1p36.23.
Variant type: single nucleotide variant.
Coding change: c.487C>T on transcript NM_015215.4 (MANE Select); coding-DNA position 487, C replaced by T.
Protein change: p.Arg163Trp; replaces arginine 163 with tryptophan.
Molecular consequence: missense variant. On other transcripts: intron variant (1).
Genome position (GRCh38, 1-based): chr1:7,467,878, C>T. VCF-style: chr1-7467878-C-T. GRCh37 (hg19) VCF-style: chr1-7527938-C-T.
Other names: c.397C>T, p.Arg133Trp (NM_001349608.2, NM_001349612.2); c.487C>T, p.Arg163Trp (NM_001349609.2, NM_001349610.2, NM_001410737.1); c.439-172522C>T (NM_001410738.1); short protein forms R163W, R133W.
Identifiers: ClinVar variation 3263083 (VCV003263083.1).

ClinVar aggregate classification (germline): Uncertain significance (1 of 4 stars; one submission).

Conditions:
Inborn genetic diseases. Identifiers: MedGen C0950123, MeSH D030342.

Submission:

Ambry Genetics
Classification: Uncertain significance for Inborn genetic diseases. Last evaluated: 2024-06-21. Review status: criteria provided, single submitter. Criteria: Ambry Variant Classification Scheme 2023. Collection method: clinical testing. Allele origin: germline.
Comment: The c.487C>T (p.R163W) alteration is located in exon 6 (coding exon 6) of the CAMTA1 gene. This alteration results from a C to T substitution at nucleotide position 487, causing the arginine (R) at amino acid position 163 to be replaced by a tryptophan (W). This variant was not reported in population-based cohorts in the Genome Aggregation Database (gnomAD). Another alteration at the same codon, c.488G>A (p.R163Q), was reported in an individual with features consistent with CAMTA1-related neurodevelopmental disorder (Bournazos, 2022). This amino acid position is highly conserved in available vertebrate species. This alteration is predicted to be deleterious by in silico analysis. Based on insufficient or conflicting evidence, the clinical significance of this alteration remains unclear.

Literature cited by the submitters: PubMed 34906502.